The following is an entry in ClinVar:

NM_020831.6(MRTFA):c.1813G>T (p.Ala605Ser)

Gene: MRTFA (myocardin related transcription factor A; minus strand). Cytogenetic location: 22q13.1.
Variant type: single nucleotide variant.
Coding change: c.1813G>T on transcript NM_020831.6 (MANE Select); coding-DNA position 1813, G replaced by T.
Protein change: p.Ala605Ser; replaces alanine 605 with serine.
Molecular consequence: missense variant.
Genome position (GRCh38, 1-based): chr22:40,418,925, C>A on the plus strand (G>T on the coding strand, the complement: MRTFA is on the minus strand). VCF-style: chr22-40418925-C-A. GRCh37 (hg19) VCF-style: chr22-40814929-C-A.
Other names: c.1513G>T, p.Ala505Ser (NM_001282660.2); c.1663G>T, p.Ala555Ser (NM_001282661.3); c.1813G>T, p.Ala605Ser (NM_001282662.3); c.1618G>T, p.Ala540Ser (NM_001318139.2); short protein forms A505S, A540S, A555S, A605S.
Identifiers: ClinVar variation 4766284 (VCV004766284.1).

ClinVar aggregate classification (germline): Uncertain significance (1 of 4 stars; one submission).

Submission:

Labcorp Genetics (formerly Invitae), Labcorp
Classification: Uncertain significance. Last evaluated: 2025-04-29. Review status: criteria provided, single submitter. Criteria: Invitae Variant Classification Sherloc (09022015). Collection method: clinical testing. Allele origin: germline.
Comment: This sequence change replaces alanine, which is neutral and non-polar, with serine, which is neutral and polar, at codon 505 of the MKL1 protein (p.Ala505Ser). This variant is not present in population databases (gnomAD no frequency). This variant has not been reported in the literature in individuals affected with MKL1-related conditions. An algorithm developed to predict the effect of missense changes on protein structure and function (PolyPhen-2) suggests that this variant is likely to be tolerated. In summary, the available evidence is currently insufficient to determine the role of this variant in disease. Therefore, it has been classified as a Variant of Uncertain Significance.